The following is an entry in ClinVar:

NM_032119.4(ADGRV1):c.10820T>C (p.Val3607Ala)

Gene: ADGRV1 (adhesion G protein-coupled receptor V1; plus strand). Cytogenetic location: 5q14.3.
Variant type: single nucleotide variant.
Coding change: c.10820T>C on transcript NM_032119.4 (MANE Select); coding-DNA position 10820, T replaced by C.
Protein change: p.Val3607Ala; replaces valine 3607 with alanine.
Molecular consequence: missense variant. On other transcripts: non-coding transcript variant (1).
Genome position (GRCh38, 1-based): chr5:90,745,641, T>C. VCF-style: chr5-90745641-T-C. GRCh37 (hg19) VCF-style: chr5-90041458-T-C.
Other names: short protein forms V3607A.
Identifiers: ClinVar variation 855651 (VCV000855651.14), dbSNP rs566526160, ClinGen allele CA122816082.

ClinVar aggregate classification (germline): Uncertain significance. Review status: criteria provided, multiple submitters, no conflicts (2 of 4 stars). 8 submissions from 8 submitters: Uncertain significance (6). 2 of the submissions do not count toward it. Last evaluated 2025-12-11.

Conditions:
ADGRV1-related disorder. Also called: ADGRV1-related condition; ADGRV1-related disorders.
Usher syndrome type 2C. Also called: Usher syndrome, type 2B; USHER SYNDROME, TYPE IIC. Identifiers: Orphanet 231178, Orphanet 886, MedGen C2931213, MONDO:0011558, OMIM 605472.
Usher syndrome type 2. Also called: Usher Syndrome Type II. Identifiers: Orphanet 231178, MedGen C0339534, MONDO:0016484.

Allele frequency attached by ClinVar (database versions not stated): gnomAD exomes 0.00001 and 0.00004; gnomAD 0.00002 and 0.00003; TOPMed 0.00004.
gnomAD v4.1: 62 of 1,612,698 alleles (0.0038%); highest among the groups gnomAD compares: Non-Finnish European, 0.0051%; no homozygotes.

Submissions (8):

PreventionGenetics, part of Exact Sciences
Classification: Uncertain significance for ADGRV1-related condition. Last evaluated: 2025-12-11. Review status: criteria provided, single submitter. Criteria: ACMG Guidelines, 2015. Collection method: clinical testing. Allele origin: germline.
Comment: The ADGRV1 c.10820T>C variant is predicted to result in the amino acid substitution p.Val3607Ala. This variant was reported in an individual with Usher syndrome, who had also two pathogenic variants in USH2A gene (as GPR98 gene in Table 2, Besnard et al. 2014. PubMed ID: 24498627). This variant is reported in 0.0018% of alleles in individuals of European (Non-Finnish) descent in gnomAD. At this time, the clinical significance of this variant is uncertain due to the absence of conclusive functional and genetic evidence.

Blueprint Genetics
Classification: Uncertain significance. Last evaluated: 2024-09-05. Review status: criteria provided, single submitter. Criteria: ACMG Guidelines, 2015. Collection method: clinical testing. Allele origin: germline.

Department of Pathology and Laboratory Medicine, Sinai Health System
Classification: Uncertain significance for Usher syndrome type 2. Last evaluated: 2022-12-05. Review status: criteria provided, single submitter. Criteria: ACMG Guidelines, 2015. Collection method: research. Allele origin: germline.

Labcorp Genetics (formerly Invitae), Labcorp
Classification: Uncertain significance. Last evaluated: 2022-10-17. Review status: criteria provided, single submitter. Criteria: Invitae Variant Classification Sherloc (09022015). Collection method: clinical testing. Allele origin: germline.
Comment: This sequence change replaces valine, which is neutral and non-polar, with alanine, which is neutral and non-polar, at codon 3607 of the ADGRV1 protein (p.Val3607Ala). This variant is present in population databases (rs566526160, gnomAD 0.002%). This missense change has been observed in individual(s) with Usher syndrome (PMID: 24498627). ClinVar contains an entry for this variant (Variation ID: 855651). Advanced modeling of protein sequence and biophysical properties (such as structural, functional, and spatial information, amino acid conservation, physicochemical variation, residue mobility, and thermodynamic stability) performed at Invitae indicates that this missense variant is not expected to disrupt ADGRV1 protein function. In summary, the available evidence is currently insufficient to determine the role of this variant in disease. Therefore, it has been classified as a Variant of Uncertain Significance.

GeneDx
Classification: Uncertain significance. Last evaluated: 2019-05-14. Review status: criteria provided, single submitter. Criteria: GeneDx Variant Classification Process June 2021. Collection method: clinical testing. Allele origin: germline. Affected: yes.
Comment: Not observed at a significant frequency in large population cohorts (Lek et al., 2016); In silico analysis, which includes protein predictors and evolutionary conservation, supports a deleterious effect; Identified in an individual with Usher syndrome type II in published literature, however, this individual also had two variants in the USH2A gene that may have also contributed to the phenotype (Besnard et al., 2014); This variant is associated with the following publications: (PMID: 24498627)

Illumina Laboratory Services, Illumina
Classification: Uncertain significance for Usher syndrome type 2C. Last evaluated: 2017-04-27. Review status: criteria provided, single submitter. Criteria: ICSL Variant Classification Criteria 13 December 2019. Collection method: clinical testing. Allele origin: germline.
Comment: This variant was observed as part of a predisposition screen in an ostensibly healthy population. A literature search was performed for the gene, cDNA change, and amino acid change (where applicable). Publications were found based on this search. However, the evidence from the literature, in combination with allele frequency data from public databases where available, was not sufficient to rule this variant in or out of causing disease. Therefore, this variant is classified as a variant of unknown significance.

Clinical Genetics DNA and cytogenetics Diagnostics Lab, Erasmus MC, Erasmus Medical Center
Classification: Uncertain significance. Review status: no assertion criteria provided. Collection method: clinical testing. Allele origin: germline. Affected: yes. Study: VKGL Data-share Consensus. Not counted in ClinVar's aggregate classification.

Clinical Genetics, Academic Medical Center
Classification: Uncertain significance. Review status: no assertion criteria provided. Collection method: clinical testing. Allele origin: germline. Affected: yes. Study: VKGL Data-share Consensus. Not counted in ClinVar's aggregate classification.

Literature cited by the submitters: PubMed 24498627 (cited by Labcorp Genetics (formerly Invitae), Labcorp and Illumina Laboratory Services, Illumina).